The following is an entry in ClinVar:

NM_004415.4(DSP):c.3712C>A (p.Gln1238Lys)

Gene: DSP (desmoplakin; plus strand). Cytogenetic location: 6p24.3.
Variant type: single nucleotide variant.
Coding change: c.3712C>A on transcript NM_004415.4 (MANE Select); coding-DNA position 3712, C replaced by A.
Protein change: p.Gln1238Lys; replaces glutamine 1238 with lysine.
Molecular consequence: missense variant. On other transcripts: intron variant (1).
Genome position (GRCh38, 1-based): chr6:7,579,902, C>A. VCF-style: chr6-7579902-C-A. GRCh37 (hg19) VCF-style: chr6-7580135-C-A.
Other names: c.3712C>A, p.Gln1238Lys (NM_001319034.2); c.3582+130C>A (NM_001008844.3); short protein forms Q1238K.
Identifiers: ClinVar variation 1171625 (VCV001171625.6), dbSNP rs767519046, ClinGen allele CA038805.

ClinVar aggregate classification (germline): Uncertain significance. Review status: criteria provided, multiple submitters, no conflicts (2 of 4 stars). 2 submissions from 2 submitters: Uncertain significance (2). Last evaluated 2025-07-16.

Conditions:
Cardiomyopathy (CMYO). Also called: Cardiomyopathies. Identifiers: Orphanet 167848, MedGen C0878544, MONDO:0004994, HP:0001638. Inheritance: Various modes of inheritance.
Arrhythmogenic cardiomyopathy with wooly hair and keratoderma. Also called: Dilated cardiomyopathy with woolly hair and keratoderma; PALMOPLANTAR KERATODERMA WITH LEFT VENTRICULAR CARDIOMYOPATHY AND WOOLLY HAIR; Carvajal syndrome; Arrhythmogenic cardiomyopathy with woolly hair and keratoderma. Identifiers: Orphanet 65282, MedGen C1854063, MONDO:0011581, OMIM 605676.
Arrhythmogenic right ventricular dysplasia 8 (ARVD8). Also called: Arrhythmogenic Right Ventricular Dysplasia/Cardiomyopathy 8; ARRHYTHMOGENIC RIGHT VENTRICULAR DYSPLASIA, FAMILIAL, 8; ARRHYTHMOGENIC RIGHT VENTRICULAR CARDIOMYOPATHY 8. Identifiers: MedGen C1843896, MONDO:0011831, OMIM 607450.

Allele frequency attached by ClinVar (database versions not stated): gnomAD exomes below 0.00001 and 0.00001; ExAC 0.00001.
gnomAD v4.1: 11 of 1,614,004 alleles (0.00068%); highest among the groups gnomAD compares: Non-Finnish European, 0.00085%; no homozygotes.

Submissions (2):

Labcorp Genetics (formerly Invitae), Labcorp
Classification: Uncertain significance for Arrhythmogenic cardiomyopathy with wooly hair and keratoderma; Arrhythmogenic right ventricular dysplasia 8. Last evaluated: 2025-07-16. Review status: criteria provided, single submitter. Criteria: Invitae Variant Classification Sherloc (09022015). Collection method: clinical testing. Allele origin: germline.
Comment: This sequence change replaces glutamine, which is neutral and polar, with lysine, which is basic and polar, at codon 1238 of the DSP protein (p.Gln1238Lys). This variant is present in population databases (rs767519046, gnomAD 0.0009%). This variant has not been reported in the literature in individuals affected with DSP-related conditions. ClinVar contains an entry for this variant (Variation ID: 1171625). An algorithm developed to predict the effect of missense changes on protein structure and function outputs the following: PolyPhen-2: "Benign". The lysine amino acid residue is found in multiple mammalian species, which suggests that this missense change does not adversely affect protein function. In summary, the available evidence is currently insufficient to determine the role of this variant in disease. Therefore, it has been classified as a Variant of Uncertain Significance.

Color Diagnostics, LLC DBA Color Health
Classification: Uncertain significance for Cardiomyopathy. Last evaluated: 2024-03-06. Review status: criteria provided, single submitter. Criteria: ACMG Guidelines, 2015. Collection method: clinical testing. Allele origin: germline.
Comment: This missense variant replaces glutamine with lysine at codon 1238 of the DSP protein. Computational prediction suggests that this variant may not impact protein structure and function (internally defined REVEL score threshold <= 0.5, PMID: 27666373). To our knowledge, functional studies have not been reported for this variant. This variant has not been reported in individuals affected with cardiovascular disorders in the literature. This variant has been identified in 1/250696 chromosomes in the general population by the Genome Aggregation Database (gnomAD). The available evidence is insufficient to determine the role of this variant in disease conclusively. Therefore, this variant is classified as a Variant of Uncertain Significance.